The following is an entry in ClinVar:

NM_000391.4(TPP1):c.1421C>T (p.Thr474Ile)

Gene: TPP1 (tripeptidyl peptidase 1; minus strand). Cytogenetic location: 11p15.4.
Variant type: single nucleotide variant.
Coding change: c.1421C>T on transcript NM_000391.4 (MANE Select); coding-DNA position 1421, C replaced by T.
Protein change: p.Thr474Ile; replaces threonine 474 with isoleucine.
Molecular consequence: missense variant.
Genome position (GRCh38, 1-based): chr11:6,615,175, G>A on the plus strand (C>T on the coding strand, the complement: TPP1 is on the minus strand). VCF-style: chr11-6615175-G-A. GRCh37 (hg19) VCF-style: chr11-6636406-G-A.
Other names: short protein forms T474I.
Identifiers: ClinVar variation 4818296 (VCV004818296.1).

ClinVar aggregate classification (germline): Likely pathogenic (1 of 4 stars; one submission).

Conditions:
Neuronal ceroid lipofuscinosis 2. Also called: JANSKY-BIELSCHOWSKY DISEASE NEURONAL CEROID LIPOFUSCINOSIS, LATE INFANTILE; TPP1-Related Neuronal Ceroid-Lipofuscinosis. Identifiers: Orphanet 168491, Orphanet 228349, Orphanet 79264, MedGen C1876161, MONDO:0008769, OMIM 204500.

Submission:

Natera, Inc.
Classification: Likely pathogenic for Neuronal ceroid lipofuscinosis 2. Last evaluated: 2025-02-10. Review status: criteria provided, single submitter. Criteria: Natera Variant Classification Schema (03/2026). Collection method: clinical testing. Allele origin: germline.
Comment: The c.1421C>T variant in TPP1 is a missense variant predicted to cause substitution of threonine to isoleucine at amino acid 474. This variant is rare in the general population with a frequency below the threshold expected for the associated phenotype(s). This variant has been observed in one or more individuals affected with the associated recessive disease, as either homozygous or compound heterozygous with a second variant (PMID: 29933521). This variant has been identified in one or more affected individuals with a phenotype highly consistent with the associated gene (PMID: 29933521). Computational prediction algorithms indicate this variant is likely to affect gene or protein function. Given the available evidence, this variant is classified as Likely Pathogenic.

Literature cited by the submitters: PubMed 29933521.